The following is an entry in ClinVar:

ClinVar aggregate classification (germline): Uncertain significance (1 of 4 stars; one submission).

Conditions:
Cardiovascular phenotype. Identifiers: MedGen CN230736.

Allele frequency attached by ClinVar (database versions not stated): ExAC 0.00001; gnomAD exomes 0.00001; TOPMed 0.00002.
gnomAD v4.1: 23 of 1,613,780 alleles (0.0014%); highest among the groups gnomAD compares: Non-Finnish European, 0.00085%; no homozygotes.

Submission:

Ambry Genetics
Classification: Uncertain significance for Cardiovascular phenotype. Last evaluated: 2023-11-17. Review status: criteria provided, single submitter. Criteria: Ambry Variant Classification Scheme 2023. Collection method: clinical testing. Allele origin: germline.
Comment: The p.F24L variant (also known as c.70T>C), located in coding exon 1 of the TECRL gene, results from a T to C substitution at nucleotide position 70. The phenylalanine at codon 24 is replaced by leucine, an amino acid with highly similar properties. This amino acid position is conserved. In addition, this alteration is predicted to be tolerated by in silico analysis. Since supporting evidence is limited at this time, the clinical significance of this alteration remains unclear.

NM_001010874.5(TECRL):c.70T>C (p.Phe24Leu)

Gene: TECRL (trans-2,3-enoyl-CoA reductase like; minus strand). Cytogenetic location: 4q13.1.
Variant type: single nucleotide variant.
Coding change: c.70T>C on transcript NM_001010874.5 (MANE Select); coding-DNA position 70, T replaced by C.
Protein change: p.Phe24Leu; replaces phenylalanine 24 with leucine.
Molecular consequence: missense variant.
Genome position (GRCh38, 1-based): chr4:64,409,282, A>G on the plus strand (T>C on the coding strand, the complement: TECRL is on the minus strand). VCF-style: chr4-64409282-A-G. GRCh37 (hg19) VCF-style: chr4-65275000-A-G.
Other names: c.70T>C, p.Phe24Leu (NM_001363796.1); short protein forms F24L.
Identifiers: ClinVar variation 1757182 (VCV001757182.2), dbSNP rs768133298, ClinGen allele CA2935700.